The following is an entry in ClinVar:

ClinVar aggregate classification (germline): Uncertain significance (1 of 4 stars; one submission).

Conditions:
Hereditary cancer-predisposing syndrome. Also called: Neoplastic Syndromes, Hereditary; Tumor predisposition; Hereditary neoplastic syndrome; Hereditary Cancer Syndrome. Identifiers: Orphanet 140162, MedGen C0027672, MeSH D009386, MONDO:0015356.

Submission:

Ambry Genetics
Classification: Uncertain significance for Hereditary cancer-predisposing syndrome. Last evaluated: 2026-08-21. Review status: criteria provided, single submitter. Criteria: Ambry Variant Classification Scheme 2023. Collection method: clinical testing. Allele origin: germline.
Comment: The p.L7R variant (also known as c.20T>G), located in coding exon 1 of the FH gene, results from a T to G substitution at nucleotide position 20. The leucine at codon 7 is replaced by arginine, an amino acid with dissimilar properties. This amino acid position is conserved. In addition, the in silico prediction for this alteration is inconclusive. Based on the available evidence, the clinical significance of this variant remains unclear.

NM_000143.4(FH):c.20T>G (p.Leu7Arg)

Gene: FH (fumarate hydratase; minus strand). Cytogenetic location: 1q43.
Variant type: single nucleotide variant.
Coding change: c.20T>G on transcript NM_000143.4 (MANE Select); coding-DNA position 20, T replaced by G.
Protein change: p.Leu7Arg; replaces leucine 7 with arginine.
Molecular consequence: missense variant.
Genome position (GRCh38, 1-based): chr1:241,519,703, A>C on the plus strand (T>G on the coding strand, the complement: FH is on the minus strand). VCF-style: chr1-241519703-A-C. GRCh37 (hg19) VCF-style: chr1-241683003-A-C.
Other names: short protein forms L7R.
Identifiers: ClinVar variation 5021699 (VCV005021699.1).